The following is an entry in ClinVar:

ClinVar aggregate classification (germline): Uncertain significance. Review status: criteria provided, multiple submitters, no conflicts (2 of 4 stars). 2 submissions from 2 submitters: Uncertain significance (2). Last evaluated 2024-01-17.

Allele frequency attached by ClinVar (database versions not stated): ExAC 0.00002; gnomAD exomes 0.00003; gnomAD 0.00010; 1000 Genomes Project 0.00020; 1000 Genomes Project 30x 0.00031; TOPMed 0.00031.
gnomAD v4.1: 38 of 1,614,128 alleles (0.0024%); highest among the groups gnomAD compares: Admixed American, 0.048%; 1 homozygote.

Submissions (3):

Ambry Genetics
Classification: Uncertain significance. Last evaluated: 2024-01-17. Review status: criteria provided, single submitter. Criteria: Ambry Variant Classification Scheme 2023. Collection method: clinical testing. Allele origin: germline.

Labcorp Genetics (formerly Invitae), Labcorp
Classification: Uncertain significance. Last evaluated: 2023-08-10. Review status: criteria provided, single submitter. Criteria: Invitae Variant Classification Sherloc (09022015). Collection method: clinical testing. Allele origin: germline.
Comment: This sequence change replaces alanine, which is neutral and non-polar, with valine, which is neutral and non-polar, at codon 3181 of the FAT2 protein (p.Ala3181Val). This variant is present in population databases (rs200357564, gnomAD 0.01%). This variant has not been reported in the literature in individuals affected with FAT2-related conditions. ClinVar contains an entry for this variant (Variation ID: 2086030). Advanced modeling of protein sequence and biophysical properties (such as structural, functional, and spatial information, amino acid conservation, physicochemical variation, residue mobility, and thermodynamic stability) performed at Invitae indicates that this missense variant is not expected to disrupt FAT2 protein function. In summary, the available evidence is currently insufficient to determine the role of this variant in disease. Therefore, it has been classified as a Variant of Uncertain Significance.

Dr. Peter K. Rogan Lab, Western University
No classification provided (evidence only). Condition: Clear cell carcinoma of kidney. Review status: no classification provided. Collection method: in vitro. Allele origin: not applicable. Functional consequence: retained intron. Not counted in ClinVar's aggregate classification.

NM_001447.3(FAT2):c.9542C>T (p.Ala3181Val)

Genes: FAT2 (FAT atypical cadherin 2; minus strand), SLC36A1 (solute carrier family 36 member 1; plus strand). Cytogenetic location: 5q33.1.
Variant type: single nucleotide variant.
Coding change: c.9542C>T on transcript NM_001447.3 (MANE Select); coding-DNA position 9542, C replaced by T.
Protein change: p.Ala3181Val; replaces alanine 3181 with valine.
Molecular consequence: missense variant.
Genome position (GRCh38, 1-based): chr5:151,531,856, G>A on the plus strand (C>T on the coding strand, the complement: FAT2 is on the minus strand). VCF-style: chr5-151531856-G-A. GRCh37 (hg19) VCF-style: chr5-150911417-G-A.
Other names: c.9542C>T (NM_001447.2); short protein forms A3181V.
Identifiers: ClinVar variation 2086030 (VCV002086030.6), dbSNP rs200357564, ClinGen allele CA3520513.